The following is an entry in ClinVar:

NM_001111125.3(IQSEC2):c.580G>A (p.Val194Met)

Gene: IQSEC2 (IQ motif and Sec7 domain ArfGEF 2; minus strand). Cytogenetic location: Xp11.22.
Variant type: single nucleotide variant.
Coding change: c.580G>A on transcript NM_001111125.3 (MANE Select); coding-DNA position 580, G replaced by A.
Protein change: p.Val194Met; replaces valine 194 with methionine.
Molecular consequence: missense variant.
Genome position (GRCh38, 1-based): chrX:53,320,544, C>T on the plus strand (G>A on the coding strand, the complement: IQSEC2 is on the minus strand). VCF-style: chrX-53320544-C-T. GRCh37 (hg19) VCF-style: chrX-53349742-C-T.
Other names: c.580G>A, p.Val194Met (NM_001410736.1, NM_001441092.1); short protein forms V194M.
Identifiers: ClinVar variation 4823348 (VCV004823348.4).

ClinVar aggregate classification (germline): Uncertain significance (1 of 4 stars; one submission).

Submission:

CeGaT Center for Human Genetics Tuebingen
Classification: Uncertain significance. Last evaluated: 2026-02-01. Review status: criteria provided, single submitter. Criteria: CeGaT Center For Human Genetics Tuebingen Variant Classification Criteria Version 2. Collection method: clinical testing. Allele origin: germline. Affected: yes. Observed: 1 variant allele.
Comment: IQSEC2: PM2